The following is an entry in ClinVar:

ClinVar aggregate classification (germline): Uncertain significance (1 of 4 stars; one submission).

Conditions:
Early-infantile DEE. Also called: Early infantile epileptic encephalopathy with suppression bursts; Early infantile epileptic encephalopathy; Ohtahara syndrome. Identifiers: Orphanet 1934, MedGen C0393706, MONDO:0800491.

gnomAD v4.1: 5 of 1,613,920 alleles (0.00031%); highest among the groups gnomAD compares: Non-Finnish European, 0.00042%; no homozygotes.

Submission:

Labcorp Genetics (formerly Invitae), Labcorp
Classification: Uncertain significance for Early-infantile DEE. Last evaluated: 2025-06-22. Review status: criteria provided, single submitter. Criteria: Invitae Variant Classification Sherloc (09022015). Collection method: clinical testing. Allele origin: germline.
Comment: This sequence change replaces phenylalanine, which is neutral and non-polar, with leucine, which is neutral and non-polar, at codon 1401 of the SPTAN1 protein (p.Phe1401Leu). This variant is not present in population databases (gnomAD no frequency). This variant has not been reported in the literature in individuals affected with SPTAN1-related conditions. Invitae Evidence Modeling of protein sequence and biophysical properties (such as structural, functional, and spatial information, amino acid conservation, physicochemical variation, residue mobility, and thermodynamic stability) has been performed for this missense variant. However, the output from this modeling did not meet the statistical confidence thresholds required to predict the impact of this variant on SPTAN1 protein function. In summary, the available evidence is currently insufficient to determine the role of this variant in disease. Therefore, it has been classified as a Variant of Uncertain Significance.

NM_001130438.3(SPTAN1):c.4201T>C (p.Phe1401Leu)

Gene: SPTAN1 (spectrin alpha, non-erythrocytic 1; plus strand). Cytogenetic location: 9q34.11.
Variant type: single nucleotide variant.
Coding change: c.4201T>C on transcript NM_001130438.3 (MANE Select); coding-DNA position 4201, T replaced by C.
Protein change: p.Phe1401Leu; replaces phenylalanine 1401 with leucine.
Molecular consequence: missense variant.
Genome position (GRCh38, 1-based): chr9:128,607,906, T>C. VCF-style: chr9-128607906-T-C. GRCh37 (hg19) VCF-style: chr9-131370185-T-C.
Other names: c.4141T>C, p.Phe1381Leu (NM_001438442.1, NM_001438444.1, NM_001195532.2 and 3 more transcripts); c.4201T>C, p.Phe1401Leu (NM_001438443.1, NM_001438445.1, NM_003127.4 and 4 more transcripts); c.4237T>C, p.Phe1413Leu (NM_001375312.2, NM_001375318.1, NM_001438440.1); short protein forms F1401L, F1381L, F1413L.
Identifiers: ClinVar variation 4774048 (VCV004774048.1).